The following is an entry in ClinVar:

ClinVar aggregate classification (germline): Uncertain significance (1 of 4 stars; one submission).

Conditions:
Combined immunodeficiency due to ZAP70 deficiency (IMD48). Also called: Immunodeficiency 48; ZAP70 Deficiency. Identifiers: Orphanet 911, MedGen C2931299, MONDO:0010023, OMIM 269840.

Submission:

Labcorp Genetics (formerly Invitae), Labcorp
Classification: Uncertain significance for Combined immunodeficiency due to ZAP70 deficiency. Last evaluated: 2019-04-03. Review status: criteria provided, single submitter. Criteria: Invitae Variant Classification Sherloc (09022015). Collection method: clinical testing. Allele origin: germline.
Comment: This sequence change replaces glutamic acid with aspartic acid at codon 237 of the ZAP70 protein (p.Glu237Asp). The glutamic acid residue is highly conserved and there is a small physicochemical difference between glutamic acid and aspartic acid. This variant is not present in population databases (ExAC no frequency). This variant has not been reported in the literature in individuals with ZAP70-related conditions. Algorithms developed to predict the effect of missense changes on protein structure and function (SIFT, PolyPhen-2, Align-GVGD) all suggest that this variant is likely to be disruptive, but these predictions have not been confirmed by published functional studies and their clinical significance is uncertain. In summary, the available evidence is currently insufficient to determine the role of this variant in disease. Therefore, it has been classified as a Variant of Uncertain Significance.

NM_001079.4(ZAP70):c.711G>C (p.Glu237Asp)

Gene: ZAP70 (zeta chain of T cell receptor associated protein kinase 70; plus strand). Cytogenetic location: 2q11.2.
Variant type: single nucleotide variant.
Coding change: c.711G>C on transcript NM_001079.4 (MANE Select); coding-DNA position 711, G replaced by C.
Protein change: p.Glu237Asp; replaces glutamic acid 237 with aspartic acid.
Molecular consequence: missense variant.
Genome position (GRCh38, 1-based): chr2:97,733,133, G>C. VCF-style: chr2-97733133-G-C. GRCh37 (hg19) VCF-style: chr2-98349596-G-C.
Other names: c.711G>C, p.Glu237Asp (NM_001378594.1); short protein forms E237D.
Identifiers: ClinVar variation 945253 (VCV000945253.8), dbSNP rs1677683363, ClinGen allele CA347798236.